The following is an entry in ClinVar:

Conditions:
Breast-ovarian cancer, familial, susceptibility to, 1 (BROVCA1). Also called: BRCA1 Hereditary Breast and Ovarian Cancer; OVARIAN CANCER, SUSCEPTIBILITY TO. Identifiers: Orphanet 145, MedGen C2676676, MONDO:0011450, OMIM 604370. Disease mechanism: loss of function.

Allele frequency attached by ClinVar (database versions not stated): gnomAD 0.00001; TOPMed 0.00001.
gnomAD v4.1: 2 of 1,570,758 alleles (0.00013%); highest among the groups gnomAD compares: African/African-American, 0.0027%; no homozygotes.

Submission:

Brotman Baty Institute, University of Washington
No classification provided (evidence only). Condition: Breast-ovarian cancer, familial 1. Review status: no classification provided. Collection method: in vitro. Allele origin: not applicable. Functional consequence: functionally_normal.
ClinVar note: "not provided" was previously submitted as the classification for the variant. However, the classification appeared to be based only on an observation of functional data so it was converted to no classification on 2025-07-30.

NM_007294.4(BRCA1):c.5193+26C>T

Gene: BRCA1 (BRCA1 DNA repair associated; minus strand). Cytogenetic location: 17q21.31.
Variant type: single nucleotide variant.
Coding change: c.5193+26C>T on transcript NM_007294.4 (MANE Select); 26 bases into the intron after coding-DNA position 5193, C replaced by T.
Molecular consequence: intron variant.
Genome position (GRCh38, 1-based): chr17:43,063,307, G>A on the plus strand (C>T on the coding strand, the complement: BRCA1 is on the minus strand). VCF-style: chr17-43063307-G-A. GRCh37 (hg19) VCF-style: chr17-41215324-G-A.
Other names: c.4857+26C>T (NM_001407952.1, NM_001407950.1, NM_001407953.1 and 3 more transcripts); c.5046+26C>T (NM_001407841.1, NM_001407838.1, NM_001407848.1 and 12 more transcripts); c.4986+26C>T (NM_001407874.1, NM_001407875.1); c.1803+26C>T (NM_001408416.1, NM_001408414.1, NM_001408415.1 and 2 more transcripts); c.4980+26C>T (NM_001407571.1, NM_001407907.1, NM_001407902.1 and 12 more transcripts); c.4860+26C>T (NM_001407948.1, NM_001407947.1, NM_001407949.1 and 1 more transcripts); c.1671+26C>T (NM_001408484.1, NM_001408485.1, NM_001408483.1 and 5 more transcripts); c.1674+26C>T (NM_001408478.1, NM_001408480.1, NM_001408479.1); and 72 more.
Identifiers: ClinVar variation 865136 (VCV000865136.3), dbSNP rs1177812250, ClinGen allele CA626080625.
Genomic context (GRCh38, chr17:43,063,307, plus strand): 5'-GGTGCATTGATGGAAGGAAGCAAATACATTTTTAACTATATGACTGAATGAATATCTCTG[G>A]TTAGTTTGTAACATCAAGTACTTACCTCATTCAGCATTTTTCTTTCTTTAATAGACTGGG-3'